The following is an entry in ClinVar:

ClinVar aggregate classification (germline): Uncertain significance. Review status: criteria provided, multiple submitters, no conflicts (2 of 4 stars). 2 submissions from 2 submitters: Uncertain significance (2). Last evaluated 2025-10-25.

Conditions:
Inborn genetic diseases. Identifiers: MedGen C0950123, MeSH D030342.

gnomAD v4.1: 5 of 1,613,366 alleles (0.00031%); highest among the groups gnomAD compares: Admixed American, 0.0017%; no homozygotes.

Submissions (2):

Ambry Genetics
Classification: Uncertain significance for Inborn genetic diseases. Last evaluated: 2025-10-25. Review status: criteria provided, single submitter. Criteria: Ambry Variant Classification Scheme 2023. Collection method: clinical testing. Allele origin: germline.

Labcorp Genetics (formerly Invitae), Labcorp
Classification: Uncertain significance. Last evaluated: 2022-04-17. Review status: criteria provided, single submitter. Criteria: Invitae Variant Classification Sherloc (09022015). Collection method: clinical testing. Allele origin: germline.
Comment: This variant is not present in population databases (gnomAD no frequency). This sequence change replaces proline, which is neutral and non-polar, with serine, which is neutral and polar, at codon 101 of the SLC26A3 protein (p.Pro101Ser). In summary, the available evidence is currently insufficient to determine the role of this variant in disease. Therefore, it has been classified as a Variant of Uncertain Significance. Algorithms developed to predict the effect of missense changes on protein structure and function (SIFT, PolyPhen-2, Align-GVGD) all suggest that this variant is likely to be tolerated. This variant has not been reported in the literature in individuals affected with SLC26A3-related conditions.

NM_000111.3(SLC26A3):c.301C>T (p.Pro101Ser)

Gene: SLC26A3 (solute carrier family 26 member 3; minus strand). Cytogenetic location: 7q22.3.
Variant type: single nucleotide variant.
Coding change: c.301C>T on transcript NM_000111.3 (MANE Select); coding-DNA position 301, C replaced by T.
Protein change: p.Pro101Ser; replaces proline 101 with serine.
Molecular consequence: missense variant.
Genome position (GRCh38, 1-based): chr7:107,791,911, G>A on the plus strand (C>T on the coding strand, the complement: SLC26A3 is on the minus strand). VCF-style: chr7-107791911-G-A. GRCh37 (hg19) VCF-style: chr7-107432356-G-A.
Other names: short protein forms P101S.
Identifiers: ClinVar variation 2108682 (VCV002108682.5), dbSNP rs773720855, ClinGen allele CA164252950.